The following is an entry in ClinVar:

ClinVar aggregate classification (germline): Pathogenic/Likely pathogenic. Review status: criteria provided, multiple submitters, no conflicts (2 of 4 stars). 2 submissions from 2 submitters: Pathogenic (1); Likely pathogenic (1). Last evaluated 2026-06-23.

Conditions:
Odonto-onycho-dermal dysplasia. Identifiers: Orphanet 2721, MedGen C0796093, MONDO:0009773, OMIM 257980.

gnomAD v4.1: 1 of 1,573,546 alleles (0.000064%); no homozygotes.

Submissions (2):

Centre de Recherche et de Formation en Génétique Médicale et en Neurosciences, Université des Sciences, des Techniques et des Technologies de Bamako
Classification: Likely pathogenic for Odonto-onycho-dermal dysplasia. Last evaluated: 2026-06-23. Review status: criteria provided, single submitter. Criteria: ACMG Guidelines, 2015. Collection method: research. Allele origin: germline. Inheritance: Autosomal recessive inheritance. Affected: yes. Observed: 6 variant alleles, 6 homozygotes.
Comment: The missense variant NM_025216.3:c.1199G>A (p.Cys400Tyr) in the WNT10A gene was classified as likely pathogenic according to ACMG/AMP guidelines based on the following criteria: PM2 (absent in gnomAD), PM3 (homozygous in affected individual), PP1 (co-segregation with disease), PP3 (deleterious predictions by CADD, REVEL, and PolyPhen), and PP4 (phenotype consistent with OODD). The variant was submitted to ClinVar with the VCV accession number is VCV000807721.3.

Institute of Human Genetics Munich, TUM University Hospital
Classification: Pathogenic for Odonto-onycho-dermal dysplasia. Last evaluated: 2019-06-11. Review status: criteria provided, single submitter. Criteria: Classification criteria August 2017. Collection method: clinical testing. Allele origin: paternal. Inheritance: Autosomal recessive inheritance. Affected: yes. Observed: 1 heterozygote.

NM_025216.3(WNT10A):c.1199G>A (p.Cys400Tyr)

Gene: WNT10A (Wnt family member 10A; plus strand). Cytogenetic location: 2q35.
Variant type: single nucleotide variant.
Coding change: c.1199G>A on transcript NM_025216.3 (MANE Select); coding-DNA position 1199, G replaced by A.
Protein change: p.Cys400Tyr; replaces cysteine 400 with tyrosine.
Molecular consequence: missense variant.
Genome position (GRCh38, 1-based): chr2:218,893,216, G>A. VCF-style: chr2-218893216-G-A. GRCh37 (hg19) VCF-style: chr2-219757938-G-A.
Other names: short protein forms C400Y.
Identifiers: ClinVar variation 807721 (VCV000807721.4), dbSNP rs1575235227, ClinGen allele CA350592511.